The following is an entry in ClinVar:

ClinVar aggregate classification (germline): Uncertain significance (1 of 4 stars; one submission).

Allele frequency attached by ClinVar (database versions not stated): gnomAD 0.00001; gnomAD exomes 0.00001 and 0.00003; TOPMed 0.00003; ExAC 0.00007.
gnomAD v4.1: 13 of 1,612,308 alleles (0.00081%); highest among the groups gnomAD compares: Admixed American, 0.017%; no homozygotes.

Submission:

Labcorp Genetics (formerly Invitae), Labcorp
Classification: Uncertain significance. Last evaluated: 2021-12-20. Review status: criteria provided, single submitter. Criteria: Invitae Variant Classification Sherloc (09022015). Collection method: clinical testing. Allele origin: germline.
Comment: This sequence change replaces lysine, which is basic and polar, with glutamic acid, which is acidic and polar, at codon 214 of the ORC6 protein (p.Lys214Glu). This variant is present in population databases (rs751776161, gnomAD 0.02%). This variant has not been reported in the literature in individuals affected with ORC6-related conditions. Algorithms developed to predict the effect of missense changes on protein structure and function output the following: SIFT: "Tolerated"; PolyPhen-2: "Benign"; Align-GVGD: "Class C0". The glutamic acid amino acid residue is found in multiple mammalian species, which suggests that this missense change does not adversely affect protein function. In summary, the available evidence is currently insufficient to determine the role of this variant in disease. Therefore, it has been classified as a Variant of Uncertain Significance.

NM_014321.4(ORC6):c.640A>G (p.Lys214Glu)

Gene: ORC6 (origin recognition complex subunit 6; plus strand). Cytogenetic location: 16q11.2.
Variant type: single nucleotide variant.
Coding change: c.640A>G on transcript NM_014321.4 (MANE Select); coding-DNA position 640, A replaced by G.
Protein change: p.Lys214Glu; replaces lysine 214 with glutamic acid.
Molecular consequence: missense variant. On other transcripts: non-coding transcript variant (1).
Genome position (GRCh38, 1-based): chr16:46,697,466, A>G. VCF-style: chr16-46697466-A-G. GRCh37 (hg19) VCF-style: chr16-46731378-A-G.
Other names: short protein forms K214E.
Identifiers: ClinVar variation 1352703 (VCV001352703.3), dbSNP rs751776161, ClinGen allele CA8037467.